The following is an entry in ClinVar:

NM_000153.4(GALC):c.158G>A (p.Arg53Gln)

Genes: GALC (galactosylceramidase; minus strand), LOC130056217 (ATAC-STARR-seq lymphoblastoid silent region 5988; plus strand). Cytogenetic location: 14q31.3.
Variant type: single nucleotide variant.
Coding change: c.158G>A on transcript NM_000153.4 (MANE Select); coding-DNA position 158, G replaced by A.
Protein change: p.Arg53Gln; replaces arginine 53 with glutamine.
Molecular consequence: missense variant. On other transcripts: 5 prime UTR variant (3), non-coding transcript variant (1), intron variant (2).
Genome position (GRCh38, 1-based): chr14:87,993,007, C>T on the plus strand (G>A on the coding strand, the complement: GALC is on the minus strand). VCF-style: chr14-87993007-C-T. GRCh37 (hg19) VCF-style: chr14-88459351-C-T.
Other names: c.158G>A, p.Arg53Gln (NM_001201401.2); c.-113G>A (NM_001424072.1); c.-279G>A (NM_001424075.1); c.-510G>A (NM_001424077.1); c.-473+376G>A (NM_001424076.1); c.117+376G>A (NM_001201402.2); short protein forms R53Q.
Identifiers: ClinVar variation 4802024 (VCV004802024.1).

ClinVar aggregate classification (germline): Uncertain significance (1 of 4 stars; one submission).

Conditions:
Galactosylceramide beta-galactosidase deficiency. Also called: Leukodystrophy, Globoid Cell; Krabbe Disease; GALACTOCEREBROSIDASE DEFICIENCY; GALC DEFICIENCY; GLOBOID CELL LEUKOENCEPHALOPATHY. Identifiers: Orphanet 487, MedGen C0023521, MONDO:0009499, OMIM 245200.

Submission:

Labcorp Genetics (formerly Invitae), Labcorp
Classification: Uncertain significance for Galactosylceramide beta-galactosidase deficiency. Last evaluated: 2025-10-02. Review status: criteria provided, single submitter. Criteria: Invitae Variant Classification Sherloc (09022015). Collection method: clinical testing. Allele origin: germline.
Comment: This sequence change replaces arginine, which is basic and polar, with glutamine, which is neutral and polar, at codon 53 of the GALC protein (p.Arg53Gln). This variant is not present in population databases (gnomAD no frequency). This missense change has been observed in individual(s) with a positive newborn screening result for GALC-related disease (PMID: 27638593). Invitae Evidence Modeling of protein sequence and biophysical properties (such as structural, functional, and spatial information, amino acid conservation, physicochemical variation, residue mobility, and thermodynamic stability) has been performed for this missense variant. However, the output from this modeling did not meet the statistical confidence thresholds required to predict the impact of this variant on GALC protein function. Experimental studies have shown that this missense change does not substantially affect GALC function (PMID: 27638593). In summary, the available evidence is currently insufficient to determine the role of this variant in disease. Therefore, it has been classified as a Variant of Uncertain Significance.

Literature cited by the submitters: PubMed 27638593.